The following is an entry in ClinVar:

NM_001348768.2(HECW2):c.4355G>C (p.Gly1452Ala)

Gene: HECW2 (HECT, C2 and WW domain containing E3 ubiquitin protein ligase 2; minus strand). Cytogenetic location: 2q32.3.
Variant type: single nucleotide variant.
Coding change: c.4355G>C on transcript NM_001348768.2 (MANE Select); coding-DNA position 4355, G replaced by C.
Protein change: p.Gly1452Ala; replaces glycine 1452 with alanine.
Molecular consequence: missense variant.
Genome position (GRCh38, 1-based): chr2:196,220,092, C>G on the plus strand (G>C on the coding strand, the complement: HECW2 is on the minus strand). VCF-style: chr2-196220092-C-G. GRCh37 (hg19) VCF-style: chr2-197084816-C-G.
Other names: c.3287G>C, p.Gly1096Ala (NM_001304840.3); c.4355G>C, p.Gly1452Ala (NM_020760.4); short protein forms G1096A, G1452A.
Identifiers: ClinVar variation 2651780 (VCV002651780.24), dbSNP rs1027776486, ClinGen allele CA349944265.

ClinVar aggregate classification (germline): Likely pathogenic (1 of 4 stars; one submission).

Submission:

CeGaT Center for Human Genetics Tuebingen
Classification: Likely pathogenic. Last evaluated: 2023-10-01. Review status: criteria provided, single submitter. Criteria: CeGaT Center For Human Genetics Tuebingen Variant Classification Criteria Version 2. Collection method: clinical testing. Allele origin: germline. Affected: yes. Observed: 1 variant allele.
Comment: HECW2: PM1, PM2, PM5:Supporting, PP3, PS2:Supporting